The following is an entry in ClinVar:

NM_153704.6(TMEM67):c.506+48G>A

Gene: TMEM67 (transmembrane protein 67; plus strand). Cytogenetic location: 8q22.1.
Variant type: single nucleotide variant.
Coding change: c.506+48G>A on transcript NM_153704.6 (MANE Select); 48 bases into the intron after coding-DNA position 506, G replaced by A.
Molecular consequence: intron variant.
Genome position (GRCh38, 1-based): chr8:93,763,989, G>A. VCF-style: chr8-93763989-G-A. GRCh37 (hg19) VCF-style: chr8-94776217-G-A.
Other names: c.263+48G>A (NM_001142301.1).
Identifiers: ClinVar variation 262753 (VCV000262753.3), dbSNP rs73694924, ClinGen allele CA4807673.

ClinVar aggregate classification (germline): Benign/Likely benign. Review status: criteria provided, multiple submitters, no conflicts (2 of 4 stars). 3 submissions from 3 submitters: Benign (1); Likely benign (2). Last evaluated 2018-06-16.

Allele frequency attached by ClinVar (database versions not stated): gnomAD exomes 0.00413; ExAC 0.00506; gnomAD 0.01630 and 0.01745; ESP Exome Variant Server 0.01761; 1000 Genomes Project 30x 0.01874; TOPMed 0.01890; 1000 Genomes Project 0.01897.
gnomAD v4.1: 4,238 of 1,170,268 alleles (0.36%); highest among the groups gnomAD compares: African/African-American, 5.4%; 110 homozygotes.

Submissions (3):

GeneDx
Classification: Benign. Last evaluated: 2018-06-16. Review status: criteria provided, single submitter. Criteria: GeneDx Variant Classification (06012015). Collection method: clinical testing. Allele origin: germline. Affected: yes.
Comment: This variant is considered likely benign or benign based on one or more of the following criteria: it is a conservative change, it occurs at a poorly conserved position in the protein, it is predicted to be benign by multiple in silico algorithms, and/or has population frequency not consistent with disease.

Breakthrough Genomics
Classification: Likely benign. Review status: criteria provided, single submitter. Criteria: ACMG Guidelines, 2015. Collection method: not provided. Allele origin: germline. Inheritance: Autosomal recessive inheritance. Affected: yes.

PreventionGenetics, part of Exact Sciences
Classification: Likely benign. Review status: criteria provided, single submitter. Criteria: ACMG Guidelines, 2015. Collection method: clinical testing. Allele origin: germline.